The following is an entry in ClinVar:

NM_001271.4(CHD2):c.1613T>G (p.Ile538Arg)

Gene: CHD2 (chromodomain helicase DNA binding protein 2; plus strand). Cytogenetic location: 15q26.1.
Variant type: single nucleotide variant.
Coding change: c.1613T>G on transcript NM_001271.4 (MANE Select); coding-DNA position 1613, T replaced by G.
Protein change: p.Ile538Arg; replaces isoleucine 538 with arginine.
Molecular consequence: missense variant.
Genome position (GRCh38, 1-based): chr15:92,953,467, T>G. VCF-style: chr15-92953467-T-G. GRCh37 (hg19) VCF-style: chr15-93496697-T-G.
Other names: short protein forms I538R.
Identifiers: ClinVar variation 575841 (VCV000575841.7), dbSNP rs1567139944, ClinGen allele CA393905088.

ClinVar aggregate classification (germline): Uncertain significance. Review status: criteria provided, multiple submitters, no conflicts (2 of 4 stars). 3 submissions from 3 submitters: Uncertain significance (3). Last evaluated 2021-09-01.

Conditions:
Developmental and epileptic encephalopathy 94 (DEE94). Also called: CHD2-Related Neurodevelopmental Disorders; Epileptic encephalopathy, childhood-onset. Identifiers: Orphanet 1942, Orphanet 2382, MedGen C3809278, MONDO:0014150, OMIM 615369.

Submissions (3):

Labcorp Genetics (formerly Invitae), Labcorp
Classification: Uncertain significance for Developmental and epileptic encephalopathy 94. Last evaluated: 2021-09-01. Review status: criteria provided, single submitter. Criteria: Invitae Variant Classification Sherloc (09022015). Collection method: clinical testing. Allele origin: germline.

Center for Genomics, Ann and Robert H. Lurie Children's Hospital of Chicago
Classification: Uncertain significance for Developmental and epileptic encephalopathy 94. Last evaluated: 2021-03-30. Review status: criteria provided, single submitter. Criteria: ACMG Guidelines, 2015. Collection method: clinical testing. Allele origin: germline.
Comment: CHD2 NM_001271.3 exon 14 p.Ile538Arg (c.1613T>G): This variant has not been reported in the literature and is not present in large control databases. Evolutionary conservation and computational predictive tools for this variant are unclear. In summary, data on this variant is insufficient for disease classification. Therefore, the clinical significance of this variant is uncertain.

Blueprint Genetics
Classification: Uncertain significance. Last evaluated: 2019-03-19. Review status: criteria provided, single submitter. Criteria: ACMG Guidelines, 2015. Collection method: clinical testing. Allele origin: germline.